The following is an entry in ClinVar:

NM_001093.4(ACACB):c.7113+7C>T

Gene: ACACB (acetyl-CoA carboxylase beta; plus strand). Cytogenetic location: 12q24.11.
Variant type: single nucleotide variant.
Coding change: c.7113+7C>T on transcript NM_001093.4 (MANE Select); 7 bases into the intron after coding-DNA position 7113, C replaced by T.
Molecular consequence: intron variant.
Genome position (GRCh38, 1-based): chr12:109,265,287, C>T. VCF-style: chr12-109265287-C-T. GRCh37 (hg19) VCF-style: chr12-109703092-C-T.
Identifiers: ClinVar variation 778658 (VCV000778658.7), dbSNP rs114723289, ClinGen allele CA6775345.
Genomic context (GRCh38, chr12:109,265,287, plus strand): 5'-CATATCCAGTCCATGCTGCGTCGCTGGTTCGTGGAGACGGAGGGGGCTGTCAAGGTGGGC[C>T]TGGGGTGAGAACGAGGCCGGTGAGCACAGGGGGTGCTGGGGGCTGAGACAGCTGGCCCAC-3'

ClinVar aggregate classification (germline): Benign/Likely benign. Review status: criteria provided, multiple submitters, no conflicts (2 of 4 stars). 3 submissions from 3 submitters: Benign (1); Likely benign (1). 1 of the submissions does not count toward it. Last evaluated 2025-08-18.

Conditions:
ACACB-related disorder. Also called: ACACB-related condition.

Allele frequency attached by ClinVar (database versions not stated): gnomAD exomes 0.00061 and 0.00154; ExAC 0.00173; ESP Exome Variant Server 0.00561; gnomAD 0.00579 and 0.00616; TOPMed 0.00677; 1000 Genomes Project 0.00759; 1000 Genomes Project 30x 0.00828.
gnomAD v4.1: 1,849 of 1,612,454 alleles (0.11%); highest among the groups gnomAD compares: African/African-American, 2.1%; 15 homozygotes.

Submissions (3):

Genomic Medicine Center of Excellence, King Faisal Specialist Hospital and Research Centre
Classification: Likely benign. Last evaluated: 2025-08-18. Review status: criteria provided, single submitter. Criteria: ACMG Guidelines, 2015. Collection method: clinical testing. Allele origin: germline.

Labcorp Genetics (formerly Invitae), Labcorp
Classification: Benign. Last evaluated: 2019-12-31. Review status: criteria provided, single submitter. Criteria: Invitae Variant Classification Sherloc (09022015). Collection method: clinical testing. Allele origin: germline.

PreventionGenetics, part of Exact Sciences
Classification: Benign for ACACB-related condition. Last evaluated: 2019-06-05. Review status: no assertion criteria provided. Collection method: clinical testing. Allele origin: germline. Not counted in ClinVar's aggregate classification.
Comment: This variant is classified as benign based on ACMG/AMP sequence variant interpretation guidelines (Richards et al. 2015 PMID: 25741868, with internal and published modifications).